The following is an entry in ClinVar:

NM_015559.3(SETBP1):c.458A>T (p.Glu153Val)

Gene: SETBP1 (SET binding protein 1; plus strand). Cytogenetic location: 18q12.3.
Variant type: single nucleotide variant.
Coding change: c.458A>T on transcript NM_015559.3 (MANE Select); coding-DNA position 458, A replaced by T.
Protein change: p.Glu153Val; replaces glutamic acid 153 with valine.
Molecular consequence: missense variant.
Genome position (GRCh38, 1-based): chr18:44,701,804, A>T. VCF-style: chr18-44701804-A-T. GRCh37 (hg19) VCF-style: chr18-42281769-A-T.
Other names: c.458A>T, p.Glu153Val (NM_001130110.2, NM_001379141.1, NM_001379142.1 and 1 more transcripts); short protein forms E153V.
Identifiers: ClinVar variation 3340763 (VCV003340763.1).

ClinVar aggregate classification (germline): Uncertain significance (1 of 4 stars; one submission).

Submission:

GeneDx
Classification: Uncertain significance. Last evaluated: 2023-10-23. Review status: criteria provided, single submitter. Criteria: GeneDx Variant Classification Process June 2021. Collection method: clinical testing. Allele origin: germline. Affected: yes.
Comment: Not observed at significant frequency in large population cohorts (gnomAD); In silico analysis supports that this missense variant has a deleterious effect on protein structure/function; Has not been previously published as pathogenic or benign to our knowledge